The following is an entry in ClinVar:

NM_001163278.2(TENM1):c.520G>A (p.Ala174Thr)

Gene: TENM1 (teneurin transmembrane protein 1; minus strand). Cytogenetic location: Xq25.
Variant type: single nucleotide variant.
Coding change: c.520G>A on transcript NM_001163278.2 (MANE Select); coding-DNA position 520, G replaced by A.
Protein change: p.Ala174Thr; replaces alanine 174 with threonine.
Molecular consequence: missense variant.
Genome position (GRCh38, 1-based): chrX:124,894,311, C>T on the plus strand (G>A on the coding strand, the complement: TENM1 is on the minus strand). VCF-style: chrX-124894311-C-T. GRCh37 (hg19) VCF-style: chrX-124028160-C-T.
Other names: c.520G>A, p.Ala174Thr (NM_001163279.1, NM_014253.3); short protein forms A174T.
Identifiers: ClinVar variation 733974 (VCV000733974.6), dbSNP rs144312425, ClinGen allele CA10510448.

ClinVar aggregate classification (germline): Likely benign. Review status: criteria provided, single submitter (1 of 4 stars). 2 submissions from 2 submitters: Likely benign (1). 1 of the submissions does not count toward it. Last evaluated 2018-05-21.

Conditions:
TENM1-related disorder. Also called: TENM1-related condition.

Allele frequency attached by ClinVar (database versions not stated): gnomAD exomes 0.00031; ExAC 0.00044; 1000 Genomes Project 30x 0.00083; 1000 Genomes Project 0.00106; gnomAD 0.00139 and 0.00141; TOPMed 0.00141; ESP Exome Variant Server 0.00161.
gnomAD v4.1: 284 of 1,199,820 alleles (0.024%); highest among the groups gnomAD compares: African/African-American, 0.44%; 1 homozygote.

Submissions (2):

Labcorp Genetics (formerly Invitae), Labcorp
Classification: Likely benign. Last evaluated: 2018-05-21. Review status: criteria provided, single submitter. Criteria: Invitae Variant Classification Sherloc (09022015). Collection method: clinical testing. Allele origin: germline.

PreventionGenetics, part of Exact Sciences
Classification: Likely benign for TENM1-related condition. Last evaluated: 2020-03-27. Review status: no assertion criteria provided. Collection method: clinical testing. Allele origin: germline. Not counted in ClinVar's aggregate classification.
Comment: This variant is classified as likely benign based on ACMG/AMP sequence variant interpretation guidelines (Richards et al. 2015 PMID: 25741868, with internal and published modifications).